The following is an entry in ClinVar:

NM_000222.3(KIT):c.2200A>G (p.Thr734Ala)

Gene: KIT (KIT proto-oncogene, receptor tyrosine kinase; plus strand). Cytogenetic location: 4q12.
Variant type: single nucleotide variant.
Coding change: c.2200A>G on transcript NM_000222.3 (MANE Select); coding-DNA position 2200, A replaced by G.
Protein change: p.Thr734Ala; replaces threonine 734 with alanine.
Molecular consequence: missense variant.
Genome position (GRCh38, 1-based): chr4:54,731,386, A>G. VCF-style: chr4-54731386-A-G. GRCh37 (hg19) VCF-style: chr4-55597552-A-G.
Other names: c.2188A>G, p.Thr730Ala (NM_001093772.2, NM_001385292.1); c.2203A>G, p.Thr735Ala (NM_001385284.1); c.2197A>G, p.Thr733Ala (NM_001385285.1); c.2185A>G, p.Thr729Ala (NM_001385286.1); c.2191A>G, p.Thr731Ala (NM_001385288.1); c.2200A>G, p.Thr734Ala (NM_001385290.1); short protein forms T729A, T730A, T731A, T735A, T733A, T734A.
Identifiers: ClinVar variation 1787625 (VCV001787625.8), dbSNP rs1722587769, ClinGen allele CA356910727.

ClinVar aggregate classification (germline): Uncertain significance. Review status: criteria provided, multiple submitters, no conflicts (2 of 4 stars). 3 submissions from 3 submitters: Uncertain significance (3). Last evaluated 2024-02-06.

Conditions:
Gastrointestinal stromal tumor. Also called: Gastrointestinal stromal tumor, somatic; Gastrointestinal stroma tumor. Identifiers: Orphanet 44890, MedGen C0238198, MeSH D046152, MONDO:0011719, OMIM 606764, HP:0100723.
Hereditary cancer-predisposing syndrome. Also called: Neoplastic Syndromes, Hereditary; Tumor predisposition; Hereditary Cancer Syndrome; Hereditary neoplastic syndrome. Identifiers: Orphanet 140162, MedGen C0027672, MeSH D009386, MONDO:0015356.

Allele frequency attached by ClinVar (database versions not stated): gnomAD exomes below 0.00001; TOPMed below 0.00001; gnomAD 0.00001.
gnomAD v4.1: 3 of 1,613,288 alleles (0.00019%); highest among the groups gnomAD compares: Non-Finnish European, 0.00025%; no homozygotes.

Submissions (3):

GeneDx
Classification: Uncertain significance. Last evaluated: 2024-02-06. Review status: criteria provided, single submitter. Criteria: GeneDx Variant Classification Process June 2021. Collection method: clinical testing. Allele origin: germline. Affected: yes.
Comment: Not observed at significant frequency in large population cohorts (gnomAD); In silico analysis supports that this missense variant does not alter protein structure/function; Has not been previously published as pathogenic or benign to our knowledge

Labcorp Genetics (formerly Invitae), Labcorp
Classification: Uncertain significance for Gastrointestinal stromal tumor. Last evaluated: 2022-09-12. Review status: criteria provided, single submitter. Criteria: Invitae Variant Classification Sherloc (09022015). Collection method: clinical testing. Allele origin: germline.
Comment: This sequence change replaces threonine, which is neutral and polar, with alanine, which is neutral and non-polar, at codon 734 of the KIT protein (p.Thr734Ala). This variant is not present in population databases (gnomAD no frequency). This variant has not been reported in the literature in individuals affected with KIT-related conditions. Algorithms developed to predict the effect of missense changes on protein structure and function (SIFT, PolyPhen-2, Align-GVGD) all suggest that this variant is likely to be tolerated. In summary, the available evidence is currently insufficient to determine the role of this variant in disease. Therefore, it has been classified as a Variant of Uncertain Significance.

Ambry Genetics
Classification: Uncertain significance for Hereditary cancer-predisposing syndrome. Last evaluated: 2022-09-08. Review status: criteria provided, single submitter. Criteria: Ambry Variant Classification Scheme 2023. Collection method: clinical testing. Allele origin: germline.
Comment: The p.T734A variant (also known as c.2200A>G), located in coding exon 15 of the KIT gene, results from an A to G substitution at nucleotide position 2200. The threonine at codon 734 is replaced by alanine, an amino acid with similar properties. This amino acid position is conserved. In addition, this alteration is predicted to be tolerated by in silico analysis. Since supporting evidence is limited at this time, the clinical significance of this alteration remains unclear.